The following is an entry in ClinVar:

NM_004836.7(EIF2AK3):c.438+5G>T

Gene: EIF2AK3 (eukaryotic translation initiation factor 2 alpha kinase 3; minus strand). Cytogenetic location: 2p11.2.
Variant type: single nucleotide variant.
Coding change: c.438+5G>T on transcript NM_004836.7 (MANE Select); 5 bases into the intron after coding-DNA position 438, G replaced by T.
Molecular consequence: intron variant.
Genome position (GRCh38, 1-based): chr2:88,613,719, C>A on the plus strand (G>T on the coding strand, the complement: EIF2AK3 is on the minus strand). VCF-style: chr2-88613719-C-A. GRCh37 (hg19) VCF-style: chr2-88913237-C-A.
Other names: c.-16+5G>T (NM_001313915.2).
Identifiers: ClinVar variation 1491665 (VCV001491665.3), dbSNP rs2104470123, ClinGen allele CA2573135932.

ClinVar aggregate classification (germline): Uncertain significance (1 of 4 stars; one submission).

Allele frequency attached by ClinVar (database versions not stated): gnomAD exomes below 0.00001.

Submission:

Labcorp Genetics (formerly Invitae), Labcorp
Classification: Uncertain significance. Last evaluated: 2021-03-26. Review status: criteria provided, single submitter. Criteria: Invitae Variant Classification Sherloc (09022015). Collection method: clinical testing. Allele origin: germline.
Comment: This sequence change falls in intron 2 of the EIF2AK3 gene. It does not directly change the encoded amino acid sequence of the EIF2AK3 protein. It affects a nucleotide within the consensus splice site of the intron. This variant is not present in population databases (ExAC no frequency). This variant has not been reported in the literature in individuals with EIF2AK3-related conditions. Nucleotide substitutions within the consensus splice site are a relatively common cause of aberrant splicing (PMID: 17576681, 9536098). Algorithms developed to predict the effect of sequence changes on RNA splicing suggest that this variant may disrupt the consensus splice site, but this prediction has not been confirmed by published transcriptional studies. In summary, the available evidence is currently insufficient to determine the role of this variant in disease. Therefore, it has been classified as a Variant of Uncertain Significance.

Literature cited by the submitters: PubMed 17576681; PubMed 9536098.